The following is an entry in ClinVar:

NM_003664.5(AP3B1):c.1311A>T (p.Glu437Asp)

Gene: AP3B1 (adaptor related protein complex 3 subunit beta 1; minus strand). Cytogenetic location: 5q14.1.
Variant type: single nucleotide variant.
Coding change: c.1311A>T on transcript NM_003664.5 (MANE Select); coding-DNA position 1311, A replaced by T.
Protein change: p.Glu437Asp; replaces glutamic acid 437 with aspartic acid.
Molecular consequence: missense variant.
Genome position (GRCh38, 1-based): chr5:78,162,871, T>A on the plus strand (A>T on the coding strand, the complement: AP3B1 is on the minus strand). VCF-style: chr5-78162871-T-A. GRCh37 (hg19) VCF-style: chr5-77458695-T-A.
Other names: c.1164A>T, p.Glu388Asp (NM_001271769.2); short protein forms E437D, E388D.
Identifiers: ClinVar variation 948721 (VCV000948721.8), dbSNP rs1160297829, ClinGen allele CA360189996.

ClinVar aggregate classification (germline): Uncertain significance. Review status: criteria provided, multiple submitters, no conflicts (2 of 4 stars). 2 submissions from 2 submitters: Uncertain significance (2). Last evaluated 2021-08-27.

Conditions:
Hermansky-Pudlak syndrome 2 (HPS2). Also called: Platelet defects and oculocutaneous albinism. Identifiers: Orphanet 183678, Orphanet 79430, MedGen C1842362, MONDO:0011997, OMIM 608233.

Allele frequency attached by ClinVar (database versions not stated): gnomAD 0.00001; TOPMed 0.00001.
gnomAD v4.1: 7 of 1,613,976 alleles (0.00043%); highest among the groups gnomAD compares: Non-Finnish European, 0.00059%; no homozygotes.

Submissions (2):

Labcorp Genetics (formerly Invitae), Labcorp
Classification: Uncertain significance for Hermansky-Pudlak syndrome 2. Last evaluated: 2021-08-27. Review status: criteria provided, single submitter. Criteria: Invitae Variant Classification Sherloc (09022015). Collection method: clinical testing. Allele origin: germline.
Comment: This sequence change replaces glutamic acid with aspartic acid at codon 437 of the AP3B1 protein (p.Glu437Asp). The glutamic acid residue is moderately conserved and there is a small physicochemical difference between glutamic acid and aspartic acid. This variant is not present in population databases (ExAC no frequency). This variant has not been reported in the literature in individuals affected with AP3B1-related conditions. Algorithms developed to predict the effect of missense changes on protein structure and function (SIFT, PolyPhen-2, Align-GVGD) all suggest that this variant is likely to be tolerated. In summary, the available evidence is currently insufficient to determine the role of this variant in disease. Therefore, it has been classified as a Variant of Uncertain Significance.

Center for Genomics, Ann and Robert H. Lurie Children's Hospital of Chicago
Classification: Uncertain significance for Hermansky-Pudlak syndrome 2. Last evaluated: 2021-03-30. Review status: criteria provided, single submitter. Criteria: ACMG Guidelines, 2015. Collection method: clinical testing. Allele origin: germline.
Comment: AP3B1 NM_003664.4 exon13 p.Glu437Asp (c.1311A>T): This variant has not been reported in the literature and is not present in large control databases. Evolutionary conservation suggests that this variant may impact the protein; computational predictive tools suggest that this variant may not impact the protein. In summary, data on this variant is insufficient for disease classification. Therefore, the clinical significance of this variant is uncertain.